The following is an entry in ClinVar:

ClinVar aggregate classification (germline): Conflicting classifications of pathogenicity. Review status: criteria provided, conflicting classifications (1 of 4 stars). 3 submissions from 3 submitters: Uncertain significance (2); Likely benign (1). Last evaluated 2025-12-04.

Conditions:
Hereditary cancer-predisposing syndrome. Also called: Tumor predisposition; Neoplastic Syndromes, Hereditary; Hereditary neoplastic syndrome; Hereditary Cancer Syndrome. Identifiers: Orphanet 140162, MedGen C0027672, MeSH D009386, MONDO:0015356.
Familial cancer of breast. Also called: Hereditary breast cancer; hereditary breast carcinoma; BREAST CANCER, FAMILIAL. Identifiers: Orphanet 227535, MedGen C0346153, MONDO:0016419, OMIM 114480. Disease mechanism: loss of function.

Submissions (3):

Ambry Genetics
Classification: Likely benign for Hereditary cancer-predisposing syndrome. Last evaluated: 2025-12-04. Review status: criteria provided, single submitter. Criteria: Ambry Variant Classification Scheme 2023. Collection method: clinical testing. Allele origin: germline.

Labcorp Genetics (formerly Invitae), Labcorp
Classification: Uncertain significance for Familial cancer of breast. Last evaluated: 2021-04-26. Review status: criteria provided, single submitter. Criteria: Invitae Variant Classification Sherloc (09022015). Collection method: clinical testing. Allele origin: germline.
Comment: This variant is not present in population databases (ExAC no frequency). This sequence change replaces arginine with serine at codon 523 of the CHEK2 protein (p.Arg523Ser). The arginine residue is weakly conserved and there is a moderate physicochemical difference between arginine and serine. This variant has not been reported in the literature in individuals with CHEK2-related conditions. ClinVar contains an entry for this variant (Variation ID: 584989). Algorithms developed to predict the effect of missense changes on protein structure and function (SIFT, PolyPhen-2, Align-GVGD) all suggest that this variant is likely to be tolerated, but these predictions have not been confirmed by published functional studies and their clinical significance is uncertain. In summary, the available evidence is currently insufficient to determine the role of this variant in disease. Therefore, it has been classified as a Variant of Uncertain Significance.

Mendelics
Classification: Uncertain significance for Familial cancer of breast. Last evaluated: 2018-07-02. Review status: criteria provided, single submitter. Criteria: Mendelics Assertion Criteria 2017. Collection method: clinical testing. Allele origin: unknown.

NM_007194.4(CHEK2):c.1567C>A (p.Arg523Ser)

Gene: CHEK2 (checkpoint kinase 2; minus strand). Cytogenetic location: 22q12.1.
Variant type: single nucleotide variant.
Coding change: c.1567C>A on transcript NM_007194.4 (MANE Select); coding-DNA position 1567, C replaced by A.
Protein change: p.Arg523Ser; replaces arginine 523 with serine.
Molecular consequence: missense variant.
Genome position (GRCh38, 1-based): chr22:28,687,962, G>T on the plus strand (C>A on the coding strand, the complement: CHEK2 is on the minus strand). VCF-style: chr22-28687962-G-T. GRCh37 (hg19) VCF-style: chr22-29083950-G-T.
Other names: c.1696C>A, p.Arg566Ser (NM_001005735.3); c.904C>A, p.Arg302Ser (NM_001257387.3); c.1366C>A, p.Arg456Ser (NM_001349956.3); c.1480C>A, p.Arg494Ser (NM_145862.3); c.1567C>A (NM_007194.3); short protein forms R523S, R456S, R494S, R566S, R302S.
Identifiers: ClinVar variation 584989 (VCV000584989.11), dbSNP rs149501505, ClinGen allele CA411091353.